The following continues an entry in ClinVar:

NM_007294.4(BRCA1):c.3029_3030del (p.Pro1010fs)

Gene: BRCA1. ClinVar aggregate classification (germline): Pathogenic. Pathogenic (1).

Submissions 10 to 15 of 15:

Women's Health and Genetics/Laboratory Corporation of America, LabCorp
Classification: Pathogenic for Hereditary breast and ovarian cancer syndrome. Last evaluated: 2020-09-28. Review status: criteria provided, single submitter. Criteria: LabCorp Variant Classification Summary - May 2015. Collection method: clinical testing. Allele origin: germline. Not counted in ClinVar's aggregate classification.
Comment: Variant summary: BRCA1 c.3029_3030delCT (p.Pro1010ArgfsX7) results in a premature termination codon, predicted to cause a truncation of the encoded protein or absence of the protein due to nonsense mediated decay, which are commonly known mechanisms for disease. Truncations downstream of this position have been classified as pathogenic by our laboratory. The variant was absent in 251110 control chromosomes. c.3029_3030delCT has been reported in the literature in multiple individuals affected with Hereditary Breast And Ovarian Cancer Syndrome (Judkins_2005, Borg_2010, John_2007, Hall_2009, Rebbeck_2018). Eight clinical diagnostic laboratories have submitted clinical-significance assessments for this variant to ClinVar after 2014 without evidence for independent evaluation. All laboratories classified the variant as pathogenic. Based on the evidence outlined above, the variant was classified as pathogenic.

GeneDx
Classification: Pathogenic. Last evaluated: 2019-07-15. Review status: criteria provided, single submitter. Criteria: GeneDx Variant Classification Process June 2021. Collection method: clinical testing. Allele origin: germline. Affected: yes. Not counted in ClinVar's aggregate classification.
Comment: Frameshift variant predicted to result in protein truncation or nonsense mediated decay in a gene for which loss-of-function is a known mechanism of disease; Not observed in large population cohorts (Lek et al., 2016); This variant is associated with the following publications: (PMID: 26295337, 19241424, 21532809, 20104584, 26564481, 25371446, 25628955, 21080930, 18159056, 28127413, 28152038)

Consortium of Investigators of Modifiers of BRCA1/2 (CIMBA), c/o University of Cambridge
Classification: Pathogenic for Breast-ovarian cancer, familial, susceptibility to, 1. Last evaluated: 2015-10-02. Review status: criteria provided, single submitter. Criteria: CIMBA Mutation Classification guidelines May 2016. Collection method: clinical testing. Allele origin: germline. Not counted in ClinVar's aggregate classification.

Counsyl
Classification: Pathogenic for Breast-ovarian cancer, familial, susceptibility to, 1. Last evaluated: 2016-10-18. Review status: no assertion criteria provided. Collection method: clinical testing. Allele origin: unknown. Not counted in ClinVar's aggregate classification.

Sharing Clinical Reports Project (SCRP)
Classification: Pathogenic for Breast-ovarian cancer, familial 1. Last evaluated: 2012-05-01. Review status: no assertion criteria provided. Collection method: clinical testing. Allele origin: germline. Not counted in ClinVar's aggregate classification.

Breast Cancer Information Core (BIC) (BRCA1)
Classification: Pathogenic for Breast-ovarian cancer, familial 1. Last evaluated: 2004-02-20. Review status: no assertion criteria provided. Collection method: clinical testing. Allele origin: germline. Affected: yes. Observed: 8 variant alleles. Not counted in ClinVar's aggregate classification.

Literature cited by the submitters: PubMed 20104584 (cited by 7 submitters); PubMed 18159056 (cited by 7 submitters); PubMed 19241424 (cited by 4 submitters); PubMed 21080930 (cited by Color Diagnostics, LLC DBA Color Health and All of Us Research Program, National Institutes of Health); PubMed 25628955 (cited by 5 submitters); PubMed 28127413 (cited by 3 submitters); PubMed 31853058 (cited by Color Diagnostics, LLC DBA Color Health); PubMed 25371446 (cited by Ambry Genetics and Counsyl); PubMed 21532809 (cited by Sema4 and Counsyl); PubMed 29446198 (cited by Sema4 and Women's Health and Genetics/Laboratory Corporation of America, LabCorp); PubMed 25186627 (cited by Quest Diagnostics Nichols Institute San Juan Capistrano); PubMed 26295337 (cited by Quest Diagnostics Nichols Institute San Juan Capistrano); PubMed 16267036 (cited by Women's Health and Genetics/Laboratory Corporation of America, LabCorp).